The following is an entry in ClinVar:

NM_153240.5(NPHP3):c.169_174dup (p.Pro57_Gly58dup)

Genes: NPHP3-ACAD11 (NPHP3-ACAD11 readthrough (NMD candidate); minus strand), NPHP3-AS1 (NPHP3 antisense RNA 1; plus strand), NPHP3 (nephrocystin 3; minus strand), LOC129937586 (ATAC-STARR-seq lymphoblastoid silent region 14743; plus strand). Cytogenetic location: 3q22.1.
Variant type: Duplication.
Coding change: c.169_174dup on transcript NM_153240.5 (MANE Select); coding-DNA positions 169 to 174, 6 bases duplicated (CCCGGG; older notation c.169_174dupCCCGGG).
Protein change: p.Pro57_Gly58dup.
Molecular consequence: inframe insertion. On other transcripts: non-coding transcript variant (3).
Genome position (GRCh38, 1-based): chr3:132,722,182-132,722,187, CCCGGG duplicated on the plus strand (CCCGGG on the coding strand, the reverse complement: NPHP3 is on the minus strand); duplicating any 6 consecutive bases within chr3:132,722,182-132,722,192 gives the same sequence; the c. name uses the placement nearest the transcript's 3' end. VCF-style (leftmost placement, unchanged base first): chr3-132722181-A-ACCCGGG. GRCh37 (hg19) VCF-style: chr3-132441025-A-ACCCGGG.
Other names: c.169_174dupCCCGGG (NM_153240.4); c.169_174dup6 (NM_153240.4).
Identifiers: ClinVar variation 432989 (VCV000432989.12), dbSNP rs1553775768, ClinGen allele CA645372742.

ClinVar aggregate classification (germline): Uncertain significance. Review status: criteria provided, multiple submitters, no conflicts (2 of 4 stars). 4 submissions from 4 submitters: Uncertain significance (4). Last evaluated 2025-03-26.

Conditions:
NPHP3-related disorder. Also called: NPHP3-related condition; NPHP3-related disorders. Identifiers: MedGen CN379163.
Nephronophthisis. Also called: Juvenile Nephronophthisis. Identifiers: Orphanet 655, MedGen C0687120, MONDO:0019005, HP:0000090.
NPHP3-related Meckel-like syndrome. Also called: Meckel syndrome type 7; GOLDSTON SYNDROME. Identifiers: Orphanet 3032, MedGen C2673885, MONDO:0009966, OMIM 267010.
Nephronophthisis 3 (NPHP3). Also called: Adolescent nephronophthisis. Identifiers: Orphanet 655, MedGen C1858392, MONDO:0011456, OMIM 604387.
Renal-hepatic-pancreatic dysplasia 1 (RHPD1). Identifiers: MedGen C3715199, MONDO:0008833, OMIM 208540.

Submissions (4):

PreventionGenetics, part of Exact Sciences
Classification: Uncertain significance for NPHP3-related condition. Last evaluated: 2025-03-26. Review status: criteria provided, single submitter. Criteria: ACMG Guidelines, 2015. Collection method: clinical testing. Allele origin: germline.
Comment: The NPHP3 c.169_174dup6 variant is predicted to result in an in-frame duplication (p.Pro57_Gly58dup). To our knowledge, this variant has not been reported in the literature or in a large population database (gnomAD), indicating this variant is rare. At this time, the clinical significance of this variant is uncertain due to the absence of conclusive functional and genetic evidence.

Labcorp Genetics (formerly Invitae), Labcorp
Classification: Uncertain significance for Nephronophthisis. Last evaluated: 2024-05-06. Review status: criteria provided, single submitter. Criteria: Invitae Variant Classification Sherloc (09022015). Collection method: clinical testing. Allele origin: germline.
Comment: This variant, c.169_174dup, results in the insertion of 2 amino acid(s) of the NPHP3 protein (p.Pro57_Gly58dup), but otherwise preserves the integrity of the reading frame. This variant is not present in population databases (gnomAD no frequency). This variant has not been reported in the literature in individuals affected with NPHP3-related conditions. ClinVar contains an entry for this variant (Variation ID: 432989). Experimental studies and prediction algorithms are not available or were not evaluated, and the functional significance of this variant is currently unknown. In summary, the available evidence is currently insufficient to determine the role of this variant in disease. Therefore, it has been classified as a Variant of Uncertain Significance.

Fulgent Genetics
Classification: Uncertain significance for Renal-hepatic-pancreatic dysplasia 1; NPHP3-related Meckel-like syndrome; Nephronophthisis 3. Last evaluated: 2022-04-13. Review status: criteria provided, single submitter. Criteria: ACMG Guidelines, 2015. Collection method: clinical testing. Allele origin: unknown.

GeneDx
Classification: Uncertain significance. Last evaluated: 2018-11-01. Review status: criteria provided, single submitter. Criteria: GeneDx Variant Classification (06012015). Collection method: clinical testing. Allele origin: germline. Affected: yes.
Comment: A variant of uncertain significance has been identified in the NPHP3 gene. The c.169_174dupCCCGGG variant has not been published as a pathogenic variant, nor has it been reported as a benign variant to our knowledge. The c.169_174dupCCCGGG variant is not observed at a significant frequency in large population cohorts (Lek et al., 2016; 1000 Genomes Consortium et al., 2015; Exome Variant Server). The c.169_174dupCCCGGG variant results in an in-frame duplication of two amino acids, denoted p.P57_G58dup. This variant occurs at a position that is conserved across species. This variant occurs at a position that is conserved in mammals. Based on the currently available information, it is unclear whether this variant is a pathogenic variant or a rare benign variant.